The following is an entry in ClinVar:

GRCh38/hg38 2q13(chr2:110104900-110371270)x3

Genes: LIMS4 (LIM zinc finger domain containing 4; minus strand), MALL (mal, T cell differentiation protein like; minus strand), MIR4436B2 (microRNA 4436b-2; plus strand), MTLN (mitoregulin; minus strand), NPHP1 (nephrocystin 1; minus strand) and 5 more. Cytogenetic location: 2q13.
Variant type: copy number gain.
Change: copy number 3 (three copies instead of two) of chr2:110,104,900-110,371,270 (266.4 kb, GRCh38 coordinates, 1-based), cytogenetic band 2q13.
Identifiers: ClinVar variation 161069 (VCV000161069.1).

ClinVar aggregate classification (germline): Benign (1 of 4 stars; one submission).

Submission:

ISCA site 4
Classification: Benign. Last evaluated: 2011-08-12. Review status: criteria provided, single submitter. Criteria: Kaminsky et al. (Genet Med. 2011). Collection method: clinical testing. Allele origin: unknown. Affected: yes. Observed: 1 variant allele.
Comment: Copy number variation identified through the course of routine clinical cytogenomic testing in postnatal populations. Clinical assertions have been curated as described in Kaminsky et al. 2011.